The following is an entry in ClinVar:

ClinVar aggregate classification (germline): Likely benign (1 of 4 stars; one submission).

Conditions:
Cardiac arrhythmia, ankyrin-B-related. Also called: ANKYRIN-B SYNDROME. Identifiers: Orphanet 101016, Orphanet 768, MedGen C1970119, MONDO:0010958, OMIM 600919.

Allele frequency attached by ClinVar (database versions not stated): 1000 Genomes Project 30x 0.00250; 1000 Genomes Project 0.00260; TOPMed 0.00594; gnomAD 0.00657 and 0.00683; gnomAD exomes 0.00935.
gnomAD v4.1: 1,002 of 152,676 alleles (0.66%); highest among the groups gnomAD compares: Non-Finnish European, 1.1%; 3 homozygotes.

Submission:

Illumina Laboratory Services, Illumina
Classification: Likely benign for Cardiac arrhythmia, ankyrin-B-related. Last evaluated: 2018-01-13. Review status: criteria provided, single submitter. Criteria: ICSL Variant Classification Criteria 13 December 2019. Collection method: clinical testing. Allele origin: germline.
Comment: This variant was observed in the ICSL laboratory as part of a predisposition screen in an ostensibly healthy population. It had not been previously curated by ICSL or reported in the Human Gene Mutation Database (HGMD: prior to June 1st, 2018), and was therefore a candidate for classification through an automated scoring system. Utilizing variant allele frequency, disease prevalence and penetrance estimates, and inheritance mode, an automated score was calculated to assess if this variant is too frequent to cause the disease. Based on the score and internal cut-off values, a variant classified as likely benign is not then subjected to further curation. The score for this variant resulted in a classification of likely benign for this disease.

NM_001148.6(ANK2):c.*1799G>A

Gene: ANK2 (ankyrin 2; plus strand). Cytogenetic location: 4q26.
Variant type: single nucleotide variant.
Coding change: c.*1799G>A on transcript NM_001148.6 (MANE Select); 1799 bases downstream of the stop codon, G replaced by A.
Molecular consequence: 3 prime UTR variant.
Genome position (GRCh38, 1-based): chr4:113,383,270, G>A. VCF-style: chr4-113383270-G-A. GRCh37 (hg19) VCF-style: chr4-114304426-G-A.
Other names: c.*1799G>A (NM_001127493.3, NM_001354225.2, NM_001354228.2 and 67 more transcripts); c.*1630G>A (NM_001386174.1, NM_001386175.1).
Identifiers: ClinVar variation 347365 (VCV000347365.5), dbSNP rs144480929, ClinGen allele CA10617818.